The following is an entry in ClinVar:

ClinVar aggregate classification (germline): Likely pathogenic. Review status: criteria provided, single submitter (1 of 4 stars). 3 submissions from 3 submitters: Likely pathogenic (1). 2 of the submissions do not count toward it. Last evaluated 2024-04-01.

Conditions:
Tyrosinemia type I (TYRSN1). Also called: FAH DEFICIENCY; HEPATORENAL TYROSINEMIA; Tyrosinemia type 1; Fumarylacetoacetase deficiency; Deficiency of fumarylacetoacetase. Identifiers: Orphanet 882, MedGen C0268490, MONDO:0010161, OMIM 276700. Disease mechanism: loss of function.

gnomAD v4.1: 1 of 1,609,642 alleles (0.000062%); no homozygotes.

Submissions (3):

Labcorp Genetics (formerly Invitae), Labcorp
Classification: Likely pathogenic for Tyrosinemia type I. Last evaluated: 2024-04-01. Review status: criteria provided, single submitter. Criteria: Invitae Variant Classification Sherloc (09022015). Collection method: clinical testing. Allele origin: germline.
Comment: This sequence change falls in intron 7 of the FAH gene. It does not directly change the encoded amino acid sequence of the FAH protein. This variant is not present in population databases (gnomAD no frequency). This variant has been observed in individuals with clinical features of tyrosinemia type I (PMID: 31568711; Invitae). ClinVar contains an entry for this variant (Variation ID: 21056). Algorithms developed to predict the effect of sequence changes on RNA splicing suggest that this variant may disrupt the consensus splice site. In summary, the currently available evidence indicates that the variant is pathogenic, but additional data are needed to prove that conclusively. Therefore, this variant has been classified as Likely Pathogenic.

Counsyl
Classification: Uncertain significance for Tyrosinemia type I. Last evaluated: 2018-05-31. Review status: no assertion criteria provided. Collection method: clinical testing. Allele origin: unknown. Not counted in ClinVar's aggregate classification.

GeneReviews
No classification provided. Condition: Tyrosinemia type I. Review status: no classification provided. Collection method: literature only. Allele origin: germline. Not counted in ClinVar's aggregate classification.

Literature cited by the submitters: PubMed 31568711 (cited by Labcorp Genetics (formerly Invitae), Labcorp); PubMed 25681080 (cited by Counsyl); NCBI Bookshelf NBK1515 (cited by GeneReviews); PubMed 20301688 (cited by GeneReviews).

NM_000137.4(FAH):c.607-6T>G

Gene: FAH (fumarylacetoacetate hydrolase; plus strand). Cytogenetic location: 15q25.1.
Variant type: single nucleotide variant.
Coding change: c.607-6T>G on transcript NM_000137.4 (MANE Select); 6 bases into the intron before coding-DNA position 607, T replaced by G.
Molecular consequence: intron variant.
Genome position (GRCh38, 1-based): chr15:80,172,143, T>G. VCF-style: chr15-80172143-T-G. GRCh37 (hg19) VCF-style: chr15-80464485-T-G.
Other names: c.607-6T>G (NM_001374377.1, NM_001374380.1).
Identifiers: ClinVar variation 21056 (VCV000021056.9), dbSNP rs80338896, ClinGen allele CA341564.
Genomic context (GRCh38, chr15:80,172,143, plus strand): 5'-TCTAGGTGACAAGTGACCTGGGCGGCAGATCAGCTCCAGATTCTAATGAACTCTCCCCCA[T>G]GTAAGGCTTTTTTTGTAGGCCCTGGAAACAGATTGGGAGAGCCGATCCCCATTTCCAAGG-3'